The following is an entry in ClinVar:

ClinVar aggregate classification (germline): Likely benign (0 of 4 stars; one submission).

Conditions:
PCNT-related disorder. Also called: PCNT-related condition.

Submission:

PreventionGenetics, part of Exact Sciences
Classification: Likely benign for PCNT-related condition. Last evaluated: 2023-07-17. Review status: no assertion criteria provided. Collection method: clinical testing. Allele origin: germline.
Comment: This variant is classified as likely benign based on ACMG/AMP sequence variant interpretation guidelines (Richards et al. 2015 PMID: 25741868, with internal and published modifications).

NM_006031.6(PCNT):c.5994+10C>T

Gene: PCNT (pericentrin; plus strand). Cytogenetic location: 21q22.3.
Variant type: single nucleotide variant.
Coding change: c.5994+10C>T on transcript NM_006031.6 (MANE Select); 10 bases into the intron after coding-DNA position 5994, C replaced by T.
Molecular consequence: intron variant.
Genome position (GRCh38, 1-based): chr21:46,412,077, C>T. VCF-style: chr21-46412077-C-T. GRCh37 (hg19) VCF-style: chr21-47831991-C-T.
Other names: c.5640+10C>T (NM_001315529.2).
Identifiers: ClinVar variation 3356263 (VCV003356263.1).